The following is an entry in ClinVar:

ClinVar aggregate classification (germline): Uncertain significance (1 of 4 stars; one submission).

Submission:

Greenwood Genetic Center Diagnostic Laboratories, Greenwood Genetic Center
Classification: Uncertain significance. Last evaluated: 2024-08-08. Review status: criteria provided, single submitter. Criteria: ACMG Guidelines, 2015. Collection method: clinical testing. Allele origin: germline. Affected: yes.
Comment: Gene of Uncertain Significance

NM_003388.5(CLIP2):c.1879delinsGTGGACCA (p.Ser627fs)

Gene: CLIP2 (CAP-Gly domain containing linker protein 2; plus strand). Cytogenetic location: 7q11.23.
Variant type: Indel.
Coding change: c.1879delinsGTGGACCA on transcript NM_003388.5 (MANE Select); coding-DNA position 1879, T replaced by GTGGACCA.
Protein change: p.Ser627fs; shifts the reading frame from serine 627.
Molecular consequence: frameshift variant.
Genome position (GRCh38, 1-based): chr7:74,376,280, T replaced by GTGGACCA. VCF-style: chr7-74376280-T-GTGGACCA. GRCh37 (hg19) VCF-style: chr7-73790610-T-GTGGACCA.
Other names: c.1774delinsGTGGACCA, p.Ser592fs (NM_032421.3); short protein forms S592fs, S627fs.
Identifiers: ClinVar variation 3765572 (VCV003765572.1).